The following is an entry in ClinVar:

ClinVar aggregate classification (germline): Uncertain significance. Review status: criteria provided, multiple submitters, no conflicts (2 of 4 stars). 2 submissions from 2 submitters: Uncertain significance (2). Last evaluated 2022-08-23.

Conditions:
Hereditary nonpolyposis colorectal neoplasms. Identifiers: MedGen C0009405, MeSH D003123.
Hereditary cancer-predisposing syndrome. Also called: Neoplastic Syndromes, Hereditary; Tumor predisposition; Hereditary Cancer Syndrome; Hereditary neoplastic syndrome. Identifiers: Orphanet 140162, MedGen C0027672, MeSH D009386, MONDO:0015356.

Allele frequency attached by ClinVar (database versions not stated): gnomAD 0.00001.

Submissions (2):

Labcorp Genetics (formerly Invitae), Labcorp
Classification: Uncertain significance for Hereditary nonpolyposis colorectal neoplasms. Last evaluated: 2022-08-23. Review status: criteria provided, single submitter. Criteria: Invitae Variant Classification Sherloc (09022015). Collection method: clinical testing. Allele origin: germline.
Comment: In summary, the available evidence is currently insufficient to determine the role of this variant in disease. Therefore, it has been classified as a Variant of Uncertain Significance. Algorithms developed to predict the effect of missense changes on protein structure and function are either unavailable or do not agree on the potential impact of this missense change (SIFT: "Deleterious"; PolyPhen-2: "Benign"; Align-GVGD: "Class C55"). ClinVar contains an entry for this variant (Variation ID: 142175). This variant has not been reported in the literature in individuals affected with MSH6-related conditions. This variant is not present in population databases (gnomAD no frequency). This sequence change replaces valine, which is neutral and non-polar, with alanine, which is neutral and non-polar, at codon 558 of the MSH6 protein (p.Val558Ala).

Ambry Genetics
Classification: Uncertain significance for Hereditary cancer-predisposing syndrome. Last evaluated: 2013-01-17. Review status: criteria provided, single submitter. Criteria: Ambry Autosomal Dominant and X-Linked criteria (10/2015). Collection method: clinical testing. Allele origin: germline. Observed: 1 variant allele.
Comment: Co-segregation data for this variant is currently unavailable. This variant has not been detected in conjunction with a pathogenic mutation to date. This amino acid position is highly conserved in available vertebrate species.This alteration is predicted to be probably damaging with a score of 0.996 (sensitivity: 0.32; specificity: 0.98)This alteration is predicted to be deleterious with a score of 0.000 (conservation: 1.98)

NM_000179.3(MSH6):c.1673T>C (p.Val558Ala)

Gene: MSH6 (mutS homolog 6; plus strand). Cytogenetic location: 2p16.3.
Variant type: single nucleotide variant.
Coding change: c.1673T>C on transcript NM_000179.3 (MANE Select); coding-DNA position 1673, T replaced by C.
Protein change: p.Val558Ala; replaces valine 558 with alanine.
Molecular consequence: missense variant.
Genome position (GRCh38, 1-based): chr2:47,799,656, T>C. VCF-style: chr2-47799656-T-C. GRCh37 (hg19) VCF-style: chr2-48026795-T-C.
Other names: c.1283T>C, p.Val428Ala (NM_001281492.2); c.767T>C, p.Val256Ala (NM_001281494.2, NM_001281493.2); short protein forms V558A, V256A, V428A.
Identifiers: ClinVar variation 142175 (VCV000142175.8), dbSNP rs587782284, ClinGen allele CA009052.